The following is an entry in ClinVar:

ClinVar aggregate classification (germline): Uncertain significance. Review status: criteria provided, multiple submitters, no conflicts (2 of 4 stars). 2 submissions from 2 submitters: Uncertain significance (2). Last evaluated 2023-08-17.

Conditions:
Epilepsy, progressive myoclonic, 1B. Also called: PME. Identifiers: Orphanet 308, MedGen C2676254, MONDO:0012904, OMIM 612437.

Allele frequency attached by ClinVar (database versions not stated): gnomAD exomes below 0.00001.
gnomAD v4.1: 1 of 1,606,402 alleles (0.000062%); highest among the groups gnomAD compares: Admixed American, 0.0017%; no homozygotes.

Submissions (2):

Labcorp Genetics (formerly Invitae), Labcorp
Classification: Uncertain significance for Epilepsy, progressive myoclonic, 1B. Last evaluated: 2023-08-17. Review status: criteria provided, single submitter. Criteria: Invitae Variant Classification Sherloc (09022015). Collection method: clinical testing. Allele origin: germline.
Comment: In summary, the available evidence is currently insufficient to determine the role of this variant in disease. Therefore, it has been classified as a Variant of Uncertain Significance. Advanced modeling of protein sequence and biophysical properties (such as structural, functional, and spatial information, amino acid conservation, physicochemical variation, residue mobility, and thermodynamic stability) performed at Invitae indicates that this missense variant is not expected to disrupt PRICKLE1 protein function. ClinVar contains an entry for this variant (Variation ID: 449601). This variant has not been reported in the literature in individuals affected with PRICKLE1-related conditions. This variant is not present in population databases (gnomAD no frequency). This sequence change replaces lysine, which is basic and polar, with glutamine, which is neutral and polar, at codon 285 of the PRICKLE1 protein (p.Lys285Gln).

GeneDx
Classification: Uncertain significance. Last evaluated: 2015-12-03. Review status: criteria provided, single submitter. Criteria: GeneDx Variant Classification (06012015). Collection method: clinical testing. Allele origin: germline. Affected: yes.
Comment: A variant of uncertain significance has been identified in the PRICKLE1 gene. The K285Q variant has not been published as a pathogenic variant, nor has it been reported as a benign variant to our knowledge. It was not observed in approximately 6,500 individuals of European and African American ancestry in the NHLBI Exome Sequencing Project, indicating it is not a common benign variant in these populations. The K285Q variant is a semi-conservative amino acid substitution, which may impact secondary protein structure as these residues differ in some properties. This substitution occurs at a position that is conserved in mammals. In silico analysis is inconsistent in its predictions as to whether or not the variant is damaging to the protein structure/function. Based on the currently available information, it is unclear whether this variant is a pathogenic variant or a rare benign variant.

NM_153026.3(PRICKLE1):c.853A>C (p.Lys285Gln)

Genes: PRICKLE1 (prickle planar cell polarity protein 1; minus strand), LOC126861509 (BRD4-independent group 4 enhancer GRCh37_chr12:42858567-42859766; plus strand). Cytogenetic location: 12q12.
Variant type: single nucleotide variant.
Coding change: c.853A>C on transcript NM_153026.3 (MANE Select); coding-DNA position 853, A replaced by C.
Protein change: p.Lys285Gln; replaces lysine 285 with glutamine.
Molecular consequence: missense variant.
Genome position (GRCh38, 1-based): chr12:42,465,181, T>G on the plus strand (A>C on the coding strand, the complement: PRICKLE1 is on the minus strand). VCF-style: chr12-42465181-T-G. GRCh37 (hg19) VCF-style: chr12-42858983-T-G.
Other names: c.853A>C, p.Lys285Gln (NM_001144881.2, NM_001144882.2, NM_001144883.2); short protein forms K285Q.
Identifiers: ClinVar variation 449601 (VCV000449601.11), dbSNP rs1555230175, ClinGen allele CA384443007.
Genomic context (GRCh38, chr12:42,465,181, plus strand): 5'-TTTTTGAGCAGTAAATCTGACCCTGTTTGGGAAGGAAGGGACATCCCAACAAAGAGGCTT[T>G]ACACTGGGCACAAGAAAAGCAGGCTTCCGTGGCGTGCCAGTGCTGCCCGTCATAGGTCAT-3'
Protein context (NP_694571.2, residues 275-295): TEACFSCAQC[Lys285Gln]ASLLGCPFLP